The following is an entry in ClinVar:

ClinVar aggregate classification (germline): Likely pathogenic. Review status: criteria provided, multiple submitters, no conflicts (2 of 4 stars). 2 submissions from 2 submitters: Likely pathogenic (2). Last evaluated 2022-02-03.

Conditions:
Landau-Kleffner syndrome (FESD). Also called: EPILEPSY, FOCAL, WITH SPEECH DISORDER AND WITH OR WITHOUT MENTAL RETARDATION; APHASIA, ACQUIRED, WITH EPILEPSY. Identifiers: Orphanet 1945, Orphanet 725, Orphanet 98818, MedGen C0282512, MONDO:0009509, OMIM 245570.

Submissions (2):

Labcorp Genetics (formerly Invitae), Labcorp
Classification: Likely pathogenic for Landau-Kleffner syndrome. Last evaluated: 2022-02-03. Review status: criteria provided, single submitter. Criteria: Invitae Variant Classification Sherloc (09022015). Collection method: clinical testing. Allele origin: germline.
Comment: This variant is not present in population databases (gnomAD no frequency). This sequence change replaces alanine, which is neutral and non-polar, with aspartic acid, which is acidic and polar, at codon 635 of the GRIN2A protein (p.Ala635Asp). This variant has not been reported in the literature in individuals affected with GRIN2A-related conditions. ClinVar contains an entry for this variant (Variation ID: 934152). Advanced modeling of protein sequence and biophysical properties (such as structural, functional, and spatial information, amino acid conservation, physicochemical variation, residue mobility, and thermodynamic stability) performed at Invitae indicates that this missense variant is expected to disrupt GRIN2A protein function. This variant disrupts the p.Ala635 amino acid residue in GRIN2A. Other variant(s) that disrupt this residue have been determined to be pathogenic (PMID: 30544257, 33258288). This suggests that this residue is clinically significant, and that variants that disrupt this residue are likely to be disease-causing. In summary, the currently available evidence indicates that the variant is pathogenic, but additional data are needed to prove that conclusively. Therefore, this variant has been classified as Likely Pathogenic.

Department of Clinical Genetics, Copenhagen University Hospital, Rigshospitalet
Classification: Likely pathogenic for Landau-Kleffner syndrome. Last evaluated: 2021-08-01. Review status: criteria provided, single submitter. Criteria: ACMG Guidelines, 2015. Collection method: clinical testing. Allele origin: de novo. Affected: yes.

Literature cited by the submitters: PubMed 30544257 (cited by Labcorp Genetics (formerly Invitae), Labcorp); PubMed 33258288 (cited by Labcorp Genetics (formerly Invitae), Labcorp).

NM_001134407.3(GRIN2A):c.1904C>A (p.Ala635Asp)

Gene: GRIN2A (glutamate ionotropic receptor NMDA type subunit 2A; minus strand). Cytogenetic location: 16p13.2.
Variant type: single nucleotide variant.
Coding change: c.1904C>A on transcript NM_001134407.3 (MANE Select); coding-DNA position 1904, C replaced by A.
Protein change: p.Ala635Asp; replaces alanine 635 with aspartic acid.
Molecular consequence: missense variant.
Genome position (GRCh38, 1-based): chr16:9,829,526, G>T on the plus strand (C>A on the coding strand, the complement: GRIN2A is on the minus strand). VCF-style: chr16-9829526-G-T. GRCh37 (hg19) VCF-style: chr16-9923383-G-T.
Other names: c.1904C>A, p.Ala635Asp (NM_000833.5, NM_001134408.2); short protein forms A635D.
Identifiers: ClinVar variation 934152 (VCV000934152.13), dbSNP rs2042448930, ClinGen allele CA394799471.
Genomic context (GRCh38, chr16:9,829,526, plus strand): 5'-TGGATCATGAAGGCAGCCAGATTGGCTGTGTAGCTAGCCAGGAATATGACAGCGAAGAAG[G>T]CCCATACAGATACCATGATCTTGCTGGTGGTCCCTTTAGGATTCTGGACAGGCACGGAGT-3'
Protein context (NP_001127879.1, residues 625-645): TTSKIMVSVW[Ala635Asp]FFAVIFLASY